The following is an entry in ClinVar:

NM_000088.4(COL1A1):c.61C>T (p.His21Tyr)

Gene: COL1A1 (collagen type I alpha 1 chain; minus strand). Cytogenetic location: 17q21.33.
Variant type: single nucleotide variant.
Coding change: c.61C>T on transcript NM_000088.4 (MANE Select); coding-DNA position 61, C replaced by T.
Protein change: p.His21Tyr; replaces histidine 21 with tyrosine.
Molecular consequence: missense variant.
Genome position (GRCh38, 1-based): chr17:50,201,453, G>A on the plus strand (C>T on the coding strand, the complement: COL1A1 is on the minus strand). VCF-style: chr17-50201453-G-A. GRCh37 (hg19) VCF-style: chr17-48278814-G-A.
Other names: short protein forms H21Y.
Identifiers: ClinVar variation 1305599 (VCV001305599.5), dbSNP rs777150332, ClinGen allele CA8645886.

ClinVar aggregate classification (germline): Conflicting classifications of pathogenicity. Review status: criteria provided, conflicting classifications (1 of 4 stars). 2 submissions from 2 submitters: Uncertain significance (1); Likely benign (1). Last evaluated 2023-10-09.

Conditions:
Osteogenesis imperfecta type I (OI1). Also called: Classic Non-deforming Osteogenesis Imperfecta with Blue Sclerae; Osteogenesis imperfecta type 1; OI, TYPE I; OSTEOGENESIS IMPERFECTA TARDA; OSTEOGENESIS IMPERFECTA WITH BLUE SCLERAE; Lobstein's Disease. Identifiers: Orphanet 216796, Orphanet 666, MedGen C0023931, MONDO:0008146, OMIM 166200. Disease mechanism: loss of function.

Allele frequency attached by ClinVar (database versions not stated): TOPMed below 0.00001; ExAC 0.00001; gnomAD exomes 0.00001.

Submissions (2):

Labcorp Genetics (formerly Invitae), Labcorp
Classification: Likely benign for Osteogenesis imperfecta type I. Last evaluated: 2023-10-09. Review status: criteria provided, single submitter. Criteria: Invitae Variant Classification Sherloc (09022015). Collection method: clinical testing. Allele origin: germline.

GeneDx
Classification: Uncertain significance. Last evaluated: 2019-05-03. Review status: criteria provided, single submitter. Criteria: GeneDx Variant Classification Process June 2021. Collection method: clinical testing. Allele origin: germline. Affected: yes.
Comment: Has not been previously published as pathogenic or benign to our knowledge; Not observed at a significant frequency in large population cohorts (Lek et al., 2016); In silico analysis, which includes protein predictors and evolutionary conservation, supports that this variant does not alter protein structure/function